The following is an entry in ClinVar:

ClinVar aggregate classification (germline): Benign/Likely benign. Review status: criteria provided, multiple submitters, no conflicts (2 of 4 stars). 14 submissions from 14 submitters: Benign (5); Likely benign (9). Last evaluated 2026-02-03.

Conditions:
Hereditary nonpolyposis colon cancer (HNPCC). Also called: Hereditary Nonpolyposis Colorectal Cancer Syndrome; Hereditary nonpolyposis colorectal cancer; Familial nonpolyposis colon cancer. Identifiers: Orphanet 443909, MedGen C1333990, MONDO:0018630. Disease mechanism: loss of function.
Hereditary cancer-predisposing syndrome. Also called: Tumor predisposition; Hereditary neoplastic syndrome; Hereditary Cancer Syndrome; Neoplastic Syndromes, Hereditary. Identifiers: Orphanet 140162, MedGen C0027672, MeSH D009386, MONDO:0015356.
Multiple endocrine neoplasia type 4. Also called: MULTIPLE ENDOCRINE NEOPLASIA, TYPE IV. Identifiers: Orphanet 276152, MedGen C1970712, MONDO:0012552, OMIM 610755.

Allele frequency attached by ClinVar (database versions not stated): gnomAD exomes 0.00032 and 0.00089; ExAC 0.00108; gnomAD 0.00312 and 0.00338; 1000 Genomes Project 0.00319; TOPMed 0.00348; ESP Exome Variant Server 0.00415; 1000 Genomes Project 30x 0.00422.

Submissions (14):

Labcorp Genetics (formerly Invitae), Labcorp
Classification: Benign for Multiple endocrine neoplasia type 4. Last evaluated: 2026-02-03. Review status: criteria provided, single submitter. Criteria: Invitae Variant Classification Sherloc (09022015). Collection method: clinical testing. Allele origin: germline.

Quest Diagnostics Nichols Institute San Juan Capistrano
Classification: Benign. Last evaluated: 2025-10-16. Review status: criteria provided, single submitter. Criteria: Quest Diagnostics criteria. Collection method: clinical testing. Allele origin: unknown.

CeGaT Center for Human Genetics Tuebingen
Classification: Likely benign. Last evaluated: 2025-10-01. Review status: criteria provided, single submitter. Criteria: CeGaT Center For Human Genetics Tuebingen Variant Classification Criteria Version 2. Collection method: clinical testing. Allele origin: germline. Affected: yes. Observed: 3 variant alleles.
Comment: CDKN1B: BP4, BS1

Mayo Clinic Laboratories, Mayo Clinic
Classification: Likely benign. Last evaluated: 2025-07-01. Review status: criteria provided, single submitter. Criteria: ACMG Guidelines, 2015. Collection method: clinical testing. Allele origin: germline. Observed: 1 variant allele.
Comment: BS1, BP4_moderate

Center for Genomic Medicine, Rigshospitalet, Copenhagen University Hospital
Classification: Benign. Last evaluated: 2025-03-04. Review status: criteria provided, single submitter. Criteria: ACMG Guidelines, 2015. Collection method: clinical testing. Allele origin: germline.

Blueprint Genetics
Classification: Likely benign. Last evaluated: 2024-10-08. Review status: criteria provided, single submitter. Criteria: ACMG Guidelines, 2015. Collection method: clinical testing. Allele origin: germline.

KCCC/NGS Laboratory, Kuwait Cancer Control Center
Classification: Benign for Multiple endocrine neoplasia type 4. Last evaluated: 2023-07-07. Review status: criteria provided, single submitter. Criteria: ACMG Guidelines, 2015. Collection method: clinical testing. Allele origin: germline. Affected: yes.

Department of Pathology and Laboratory Medicine, Sinai Health System
Classification: Likely benign for hereditary nonpolyposis colon cancer. Last evaluated: 2023-06-08. Review status: criteria provided, single submitter. Criteria: ACMG Guidelines, 2015. Collection method: clinical testing. Allele origin: germline. Affected: no.

ARUP Laboratories, Molecular Genetics and Genomics, ARUP Laboratories
Classification: Likely benign for Multiple endocrine neoplasia type 4. Last evaluated: 2023-03-24. Review status: criteria provided, single submitter. Criteria: ARUP Molecular Germline Variant Investigation Process 2024. Collection method: clinical testing. Allele origin: germline.

Fulgent Genetics
Classification: Likely benign for Multiple endocrine neoplasia type 4. Last evaluated: 2022-05-04. Review status: criteria provided, single submitter. Criteria: ACMG Guidelines, 2015. Collection method: clinical testing. Allele origin: unknown.

GeneDx
Classification: Likely benign. Last evaluated: 2020-12-11. Review status: criteria provided, single submitter. Criteria: GeneDx Variant Classification Process June 2021. Collection method: clinical testing. Allele origin: germline. Affected: yes.

Ambry Genetics
Classification: Benign for Hereditary cancer-predisposing syndrome. Last evaluated: 2019-02-22. Review status: criteria provided, single submitter. Criteria: Ambry Variant Classification Scheme 2023. Collection method: clinical testing. Allele origin: germline.

Center for Pediatric Genomic Medicine, Children's Mercy Hospital and Clinics
Classification: Likely benign. Last evaluated: 2017-05-30. Review status: criteria provided, single submitter. Criteria: ACMG Guidelines, 2015. Collection method: clinical testing. Allele origin: germline.

Breakthrough Genomics
Classification: Likely benign. Review status: criteria provided, single submitter. Criteria: ACMG Guidelines, 2015. Collection method: not provided. Allele origin: germline. Inheritance: Autosomal dominant inheritance. Affected: yes.

Literature cited by the submitters: PubMed 28944238 (cited by Quest Diagnostics Nichols Institute San Juan Capistrano).

NM_004064.5(CDKN1B):c.577C>T (p.Leu193Phe)

Gene: CDKN1B (cyclin dependent kinase inhibitor 1B; plus strand). Cytogenetic location: 12p13.1.
Variant type: single nucleotide variant.
Coding change: c.577C>T on transcript NM_004064.5 (MANE Select); coding-DNA position 577, C replaced by T.
Protein change: p.Leu193Phe; replaces leucine 193 with phenylalanine.
Molecular consequence: missense variant.
Genome position (GRCh38, 1-based): chr12:12,718,926, C>T. VCF-style: chr12-12718926-C-T. GRCh37 (hg19) VCF-style: chr12-12871860-C-T.
Other names: p.Leu193Phe; short protein forms L193F.
Identifiers: ClinVar variation 412889 (VCV000412889.55), dbSNP rs73281150, ClinGen allele CA6457573.